The following is an entry in ClinVar:

ClinVar aggregate classification (germline): Uncertain significance. Review status: criteria provided, multiple submitters, no conflicts (2 of 4 stars). 6 submissions from 6 submitters: Uncertain significance (5). 1 of the submissions does not count toward it. Last evaluated 2026-08-02.

Conditions:
PKHD1-related disorder. Also called: PKHD1-related condition.
Polycystic kidney disease 4 (PKD4). Also called: POLYCYSTIC KIDNEY AND HEPATIC DISEASE 1; POLYCYSTIC KIDNEY DISEASE, INFANTILE, TYPE I; POLYCYSTIC KIDNEY DISEASE 4 WITH OR WITHOUT POLYCYSTIC LIVER DISEASE; Autosomal Recessive Polycystic Kidney Disease – PKHD1; PKD3. Identifiers: MedGen C4540575, MONDO:0033004, OMIM 263200.
Inborn genetic diseases. Identifiers: MedGen C0950123, MeSH D030342.
Autosomal recessive polycystic kidney disease (ARPKD). Also called: AR polycystic kidney disease. Identifiers: Orphanet 731, Orphanet 8378, MedGen C0085548, MeSH D017044, MONDO:0009889.

Allele frequency attached by ClinVar (database versions not stated): gnomAD 0.00004 and 0.00003; gnomAD exomes below 0.00001 and 0.00001; TOPMed 0.00002.
gnomAD v4.1: 16 of 1,613,916 alleles (0.00099%); highest among the groups gnomAD compares: African/African-American, 0.004%; no homozygotes.

Submissions (6):

PreventionGenetics, part of Exact Sciences
Classification: Uncertain significance for PKHD1-related condition. Last evaluated: 2026-08-02. Review status: criteria provided, single submitter. Criteria: ACMG Guidelines, 2015. Collection method: clinical testing. Allele origin: germline.
Comment: The PKHD1 c.2961G>T variant is predicted to result in the amino acid substitution p.Leu987Phe. To our knowledge, this variant has not been reported in the literature. This variant is reported in 0.0033% of alleles in individuals of South Asian descent in gnomAD. At this time, the clinical significance of this variant is uncertain due to the absence of conclusive functional and genetic evidence.

Ambry Genetics
Classification: Uncertain significance for Inborn genetic diseases. Last evaluated: 2025-06-22. Review status: criteria provided, single submitter. Criteria: Ambry Variant Classification Scheme 2023. Collection method: clinical testing. Allele origin: germline.

Fulgent Genetics
Classification: Uncertain significance for Polycystic kidney disease 4. Last evaluated: 2021-09-13. Review status: criteria provided, single submitter. Criteria: ACMG Guidelines, 2015. Collection method: clinical testing. Allele origin: unknown.

Labcorp Genetics (formerly Invitae), Labcorp
Classification: Uncertain significance for Autosomal recessive polycystic kidney disease. Last evaluated: 2021-08-30. Review status: criteria provided, single submitter. Criteria: Invitae Variant Classification Sherloc (09022015). Collection method: clinical testing. Allele origin: germline.
Comment: This sequence change replaces leucine with phenylalanine at codon 987 of the PKHD1 protein (p.Leu987Phe). The leucine residue is moderately conserved and there is a small physicochemical difference between leucine and phenylalanine. This variant is not present in population databases (ExAC no frequency). This variant has not been reported in the literature in individuals affected with PKHD1-related conditions. ClinVar contains an entry for this variant (Variation ID: 96393). Algorithms developed to predict the effect of missense changes on protein structure and function output the following: SIFT: "Tolerated"; PolyPhen-2: "Benign"; Align-GVGD: "Class C0". The phenylalanine amino acid residue is found in multiple mammalian species, which suggests that this missense change does not adversely affect protein function. In summary, the available evidence is currently insufficient to determine the role of this variant in disease. Therefore, it has been classified as a Variant of Uncertain Significance.

Eurofins Ntd Llc (ga)
Classification: Uncertain significance. Last evaluated: 2013-08-14. Review status: criteria provided, single submitter. Criteria: EGL Classification Definitions 2015. Collection method: clinical testing. Allele origin: germline. Observed: 1 variant allele, 1 heterozygote.

Natera, Inc.
Classification: Uncertain significance for Autosomal recessive polycystic kidney disease. Last evaluated: 2018-09-11. Review status: no assertion criteria provided. Collection method: clinical testing. Allele origin: germline. Not counted in ClinVar's aggregate classification.

NM_138694.4(PKHD1):c.2961G>T (p.Leu987Phe)

Gene: PKHD1 (PKHD1 ciliary IPT domain containing fibrocystin/polyductin; minus strand). Cytogenetic location: 6p12.2.
Variant type: single nucleotide variant.
Coding change: c.2961G>T on transcript NM_138694.4 (MANE Select); coding-DNA position 2961, G replaced by T.
Protein change: p.Leu987Phe; replaces leucine 987 with phenylalanine.
Molecular consequence: missense variant.
Genome position (GRCh38, 1-based): chr6:52,042,995, C>A on the plus strand (G>T on the coding strand, the complement: PKHD1 is on the minus strand). VCF-style: chr6-52042995-C-A. GRCh37 (hg19) VCF-style: chr6-51907793-C-A.
Other names: c.2961G>T, p.Leu987Phe (NM_170724.3); short protein forms L987F.
Identifiers: ClinVar variation 96393 (VCV000096393.27), dbSNP rs398124482, ClinGen allele CA224062.
Genomic context (GRCh38, chr6:52,042,995, plus strand): 5'-ACTGATGGCAAGACCAGAGGGTCTCACCAACATCAAGATCCGATGCATTCCAACAGGTAG[C>A]AAATCTGTCTGACAGACTACATTGGTCTGGTTTGAGAAAATAACTTTGCAACTCGTTTTG-3'
Protein context (NP_619639.3, residues 977-997): NQTNVVCQTD[Leu987Phe]LPVGMHRILM